The following is an entry in ClinVar:

ClinVar aggregate classification (germline): Uncertain significance (1 of 4 stars; one submission).

Conditions:
Hypertrophic cardiomyopathy. Also called: HYPERTROPHIC MYOCARDIOPATHY. Identifiers: Orphanet 217569, MedGen C0007194, MeSH D002312, MONDO:0005045, HP:0001639.

Submission:

Labcorp Genetics (formerly Invitae), Labcorp
Classification: Uncertain significance for Hypertrophic cardiomyopathy. Last evaluated: 2022-04-18. Review status: criteria provided, single submitter. Criteria: Invitae Variant Classification Sherloc (09022015). Collection method: clinical testing. Allele origin: germline.
Comment: In summary, the available evidence is currently insufficient to determine the role of this variant in disease. Therefore, it has been classified as a Variant of Uncertain Significance. Algorithms developed to predict the effect of missense changes on protein structure and function are either unavailable or do not agree on the potential impact of this missense change (SIFT: "Deleterious"; PolyPhen-2: "Possibly Damaging"; Align-GVGD: "Class C0"). This variant has not been reported in the literature in individuals affected with TPM1-related conditions. This variant is not present in population databases (gnomAD no frequency). This sequence change replaces glutamic acid, which is acidic and polar, with glycine, which is neutral and non-polar, at codon 56 of the TPM1 protein (p.Glu56Gly).

NM_001018005.2(TPM1):c.167A>G (p.Glu56Gly)

Gene: TPM1 (tropomyosin 1; plus strand). Cytogenetic location: 15q22.2.
Variant type: single nucleotide variant.
Coding change: c.167A>G on transcript NM_001018005.2 (MANE Select); coding-DNA position 167, A replaced by G.
Protein change: p.Glu56Gly; replaces glutamic acid 56 with glycine.
Molecular consequence: missense variant. On other transcripts: intron variant (3).
Genome position (GRCh38, 1-based): chr15:63,044,079, A>G. VCF-style: chr15-63044079-A-G. GRCh37 (hg19) VCF-style: chr15-63336278-A-G.
Other names: c.293A>G, p.Glu98Gly (NM_001407322.1, NM_001407323.1, NM_001407324.1 and 1 more transcripts); c.167A>G, p.Glu56Gly (NM_001407325.1, NM_001407326.1, NM_001407327.1 and 10 more transcripts); c.240+248A>G (NM_001018020.2, NM_001018007.2, NM_001301244.2); short protein forms E56G, E98G.
Identifiers: ClinVar variation 2104626 (VCV002104626.4), dbSNP rs2542431898, ClinGen allele CA392718590.